The following is an entry in ClinVar:

ClinVar aggregate classification (germline): Uncertain significance (1 of 4 stars; one submission).

Conditions:
Hereditary sensory and autonomic neuropathy type 7. Also called: HSAN VII; Neuropathy, hereditary sensory and autonomic, type VII. Identifiers: Orphanet 391397, MedGen C3809882, MONDO:0014244, OMIM 615548.
Familial episodic pain syndrome with predominantly lower limb involvement. Also called: Episodic pain syndrome, familial, 3. Identifiers: Orphanet 391384, Orphanet 391392, MedGen C3809899, MONDO:0014247, OMIM 615552.

Submission:

Labcorp Genetics (formerly Invitae), Labcorp
Classification: Uncertain significance for Familial episodic pain syndrome with predominantly lower limb involvement; Hereditary sensory and autonomic neuropathy type 7. Last evaluated: 2022-08-15. Review status: criteria provided, single submitter. Criteria: Invitae Variant Classification Sherloc (09022015). Collection method: clinical testing. Allele origin: germline.
Comment: In summary, the available evidence is currently insufficient to determine the role of this variant in disease. Therefore, it has been classified as a Variant of Uncertain Significance. Algorithms developed to predict the effect of missense changes on protein structure and function (SIFT, PolyPhen-2, Align-GVGD) all suggest that this variant is likely to be disruptive. This variant has not been reported in the literature in individuals affected with SCN11A-related conditions. This variant is not present in population databases (gnomAD no frequency). This sequence change replaces tyrosine, which is neutral and polar, with cysteine, which is neutral and slightly polar, at codon 1247 of the SCN11A protein (p.Tyr1247Cys).

NM_001349253.2(SCN11A):c.3740A>G (p.Tyr1247Cys)

Genes: SCN11A (sodium voltage-gated channel alpha subunit 11; minus strand), LOC126806652 (CDK7 strongly-dependent group 2 enhancer GRCh37_chr3:38912374-38913573; plus strand). Cytogenetic location: 3p22.2.
Variant type: single nucleotide variant.
Coding change: c.3740A>G on transcript NM_001349253.2 (MANE Select); coding-DNA position 3740, A replaced by G.
Protein change: p.Tyr1247Cys; replaces tyrosine 1247 with cysteine.
Molecular consequence: missense variant.
Genome position (GRCh38, 1-based): chr3:38,871,464, T>C on the plus strand (A>G on the coding strand, the complement: SCN11A is on the minus strand). VCF-style: chr3-38871464-T-C. GRCh37 (hg19) VCF-style: chr3-38912955-T-C.
Other names: c.3740A>G, p.Tyr1247Cys (NM_014139.3); short protein forms Y1247C.
Identifiers: ClinVar variation 1983558 (VCV001983558.4), dbSNP rs2065124080, ClinGen allele CA352170361.